The following is an entry in ClinVar:

NM_005591.4(MRE11):c.1718G>A (p.Gly573Glu)

Gene: MRE11 (MRE11 double strand break repair nuclease; minus strand). Cytogenetic location: 11q21.
Variant type: single nucleotide variant.
Coding change: c.1718G>A on transcript NM_005591.4 (MANE Select); coding-DNA position 1718, G replaced by A.
Protein change: p.Gly573Glu; replaces glycine 573 with glutamic acid.
Molecular consequence: missense variant.
Genome position (GRCh38, 1-based): chr11:94,447,284, C>T on the plus strand (G>A on the coding strand, the complement: MRE11 is on the minus strand). VCF-style: chr11-94447284-C-T. GRCh37 (hg19) VCF-style: chr11-94180450-C-T.
Other names: c.1718G>A, p.Gly573Glu (NM_001330347.2, NM_005590.4); short protein forms G573E.
Identifiers: ClinVar variation 141057 (VCV000141057.12), dbSNP rs587781461, ClinGen allele CA333194.
Genomic context (GRCh38, chr11:94,447,284, plus strand): 5'-CCTCTTTGAGACCCTCCTCTCGATGCTGAATTCTGCCCTCTTCCACCTCTTCGACCTCTT[C>T]CTCGGCCTCTTCCTTTGTTGGTTGCTGCTGAGATGCTATCATCAGAGTCATTAGCCATCT-3'
Protein context (NP_005582.1, residues 563-583): SAATNKGRGR[Gly573Glu]RGRRGGRGQN

ClinVar aggregate classification (germline): Uncertain significance. Review status: criteria provided, multiple submitters, no conflicts (2 of 4 stars). 6 submissions from 6 submitters: Uncertain significance (6). Last evaluated 2023-11-08.

Conditions:
Ataxia-telangiectasia-like disorder (ATLD). Identifiers: MedGen C1858391, MONDO:0011457.
Hereditary cancer-predisposing syndrome. Also called: Neoplastic Syndromes, Hereditary; Tumor predisposition; Hereditary Cancer Syndrome; Hereditary neoplastic syndrome. Identifiers: Orphanet 140162, MedGen C0027672, MeSH D009386, MONDO:0015356.

Allele frequency attached by ClinVar (database versions not stated): TOPMed below 0.00001; gnomAD 0.00001; gnomAD exomes 0.00001; ExAC 0.00002.
gnomAD v4.1: 9 of 1,613,948 alleles (0.00056%); highest among the groups gnomAD compares: Non-Finnish European, 0.00068%; no homozygotes.

Submissions (6):

Quest Diagnostics Nichols Institute San Juan Capistrano
Classification: Uncertain significance. Last evaluated: 2023-11-08. Review status: criteria provided, single submitter. Criteria: Quest Diagnostics criteria. Collection method: clinical testing. Allele origin: unknown.

Ambry Genetics
Classification: Uncertain significance for Hereditary cancer-predisposing syndrome. Last evaluated: 2023-03-07. Review status: criteria provided, single submitter. Criteria: Ambry Variant Classification Scheme 2023. Collection method: clinical testing. Allele origin: germline.
Comment: The p.G573E variant (also known as c.1718G>A), located in coding exon 14 of the MRE11A gene, results from a G to A substitution at nucleotide position 1718. The glycine at codon 573 is replaced by glutamic acid, an amino acid with similar properties. This amino acid position is well conserved in available vertebrate species. In addition, the in silico prediction for this alteration is inconclusive. Since supporting evidence is limited at this time, the clinical significance of this alteration remains unclear.

Labcorp Genetics (formerly Invitae), Labcorp
Classification: Uncertain significance for Ataxia-telangiectasia-like disorder. Last evaluated: 2022-08-31. Review status: criteria provided, single submitter. Criteria: Invitae Variant Classification Sherloc (09022015). Collection method: clinical testing. Allele origin: germline.
Comment: This sequence change replaces glycine, which is neutral and non-polar, with glutamic acid, which is acidic and polar, at codon 573 of the MRE11 protein (p.Gly573Glu). This variant is present in population databases (rs587781461, gnomAD 0.003%). This variant has not been reported in the literature in individuals affected with MRE11-related conditions. ClinVar contains an entry for this variant (Variation ID: 141057). Algorithms developed to predict the effect of missense changes on protein structure and function are either unavailable or do not agree on the potential impact of this missense change (SIFT: "Deleterious"; PolyPhen-2: "Possibly Damaging"; Align-GVGD: "Class C0"). In summary, the available evidence is currently insufficient to determine the role of this variant in disease. Therefore, it has been classified as a Variant of Uncertain Significance.

Sema4
Classification: Uncertain significance for Hereditary cancer-predisposing syndrome. Last evaluated: 2022-03-18. Review status: criteria provided, single submitter. Criteria: Sema4 Curation Guidelines. Collection method: curation. Allele origin: germline.
Comment: The MRE11 c.1718G>A (p.G573E) variant has not been reported in the literature to our knowledge. This variant was observed in 4/129128 chromosomes in the Non-Finnish European population according to the Genome Aggregation Database (PMID: 32461654). The variant has been reported in ClinVar (Variation ID: 141057). Functional studies have not been performed, and in silico predictions of the variant's effect on protein function are inconclusive. The evidence is insufficient to meet ACMG/AMP criteria for classifying the variant as benign or pathogenic. Thus, the clinical significance of this variant is currently uncertain.

Athena Diagnostics
Classification: Uncertain significance. Last evaluated: 2018-11-29. Review status: criteria provided, single submitter. Criteria: Athena Diagnostics Criteria. Collection method: clinical testing. Allele origin: germline.

Women's Health and Genetics/Laboratory Corporation of America, LabCorp
Classification: Uncertain significance. Last evaluated: 2017-08-16. Review status: criteria provided, single submitter. Criteria: LabCorp Variant Classification Summary - May 2015. Collection method: clinical testing. Allele origin: germline.
Comment: Variant summary: The MRE11A c.1718G>A (p.Gly573Glu) variant involves the alteration of a non-conserved nucleotide. 4/5 in silico tools predict a damaging outcome for this variant. This variant was found in 2/121402 control chromosomes at a frequency of 0.0000165, which does not exceed the estimated maximal expected allele frequency of a pathogenic MRE11A variant (0.0000625). In addition, multiple clinical diagnostic laboratories/reputable databases classified this variant as uncertain significance. The variant of interest has not, to our knowledge, been reported in affected individuals via publications; nor evaluated for functional impact by in vivo/vitro studies. Because of the absence of clinical information and the lack of functional studies, the variant is classified as a variant of uncertain significance (VUS) until additional information becomes available.